The following is an entry in ClinVar:

NM_139076.3(ABRAXAS1):c.172A>G (p.Thr58Ala)

Gene: ABRAXAS1 (abraxas 1, BRCA1 A complex subunit; minus strand). Cytogenetic location: 4q21.23.
Variant type: single nucleotide variant.
Coding change: c.172A>G on transcript NM_139076.3 (MANE Select); coding-DNA position 172, A replaced by G.
Protein change: p.Thr58Ala; replaces threonine 58 with alanine.
Molecular consequence: missense variant. On other transcripts: 5 prime UTR variant (1).
Genome position (GRCh38, 1-based): chr4:83,482,160, T>C on the plus strand (A>G on the coding strand, the complement: ABRAXAS1 is on the minus strand). VCF-style: chr4-83482160-T-C. GRCh37 (hg19) VCF-style: chr4-84403313-T-C.
Other names: c.-89A>G (NM_001345962.2); short protein forms T58A.
Identifiers: ClinVar variation 4824007 (VCV004824007.1).
Genomic context (GRCh38, chr4:83,482,160, plus strand): 5'-TATCAAATATAGGAGACACAGATGATTCAAATATAGGAGAAATAAATAACTCACCAATTG[T>C]ATAAACAACTTCAACATCATCCATTTGGGAATCAGTAATGCTGTTCTTGGCTTCACCTTT-3'
Protein context (NP_620775.2, residues 48-68): SQMDDVEVVY[Thr58Ala]IDIQKYIPCY

ClinVar aggregate classification (germline): Uncertain significance (1 of 4 stars; one submission).

Submission:

Ambry Genetics
Classification: Uncertain significance. Last evaluated: 2026-03-13. Review status: criteria provided, single submitter. Criteria: Ambry Variant Classification Scheme 2023. Collection method: clinical testing. Allele origin: germline.
Comment: The p.T58A variant (also known as c.172A>G), located in coding exon 2 of the FAM175A gene, results from an A to G substitution at nucleotide position 172. The threonine at codon 58 is replaced by alanine, an amino acid with similar properties. This amino acid position is conserved. In addition, this alteration is predicted to be tolerated by in silico analysis. Based on the available evidence, the clinical significance of this variant remains unclear.